The following is an entry in ClinVar:

ClinVar aggregate classification (germline): Uncertain significance. Review status: criteria provided, multiple submitters, no conflicts (2 of 4 stars). 2 submissions from 2 submitters: Uncertain significance (2). Last evaluated 2026-01-12.

Conditions:
Progressive sclerosing poliodystrophy (MTDPS4A). Also called: Alpers-Huttenlocher Syndrome (AHS); Alpers Syndrome; ALPERS PROGRESSIVE INFANTILE POLIODYSTROPHY; Mitochondrial DNA depletion syndrome 4A (Alpers type); ALPERS DIFFUSE DEGENERATION OF CEREBRAL GRAY MATTER WITH HEPATIC CIRRHOSIS; Alpers-Huttenlocher Syndrome. Identifiers: Orphanet 726, MedGen C0205710, MONDO:0008758, OMIM 203700.

Allele frequency attached by ClinVar (database versions not stated): gnomAD exomes below 0.00001; TOPMed below 0.00001.
gnomAD v4.1: 2 of 1,614,184 alleles (0.00012%); highest among the groups gnomAD compares: South Asian, 0.0011%; no homozygotes.

Submissions (2):

Labcorp Genetics (formerly Invitae), Labcorp
Classification: Uncertain significance for Progressive sclerosing poliodystrophy. Last evaluated: 2026-01-12. Review status: criteria provided, single submitter. Criteria: Invitae Variant Classification Sherloc (09022015). Collection method: clinical testing. Allele origin: germline.
Comment: This sequence change replaces threonine, which is neutral and polar, with isoleucine, which is neutral and non-polar, at codon 885 of the POLG protein (p.Thr885Ile). This variant is present in population databases (no rsID available, gnomAD 0.003%). This variant has not been reported in the literature in individuals affected with POLG-related conditions. ClinVar contains an entry for this variant (Variation ID: 619329). Invitae Evidence Modeling of protein sequence and biophysical properties (such as structural, functional, and spatial information, amino acid conservation, physicochemical variation, residue mobility, and thermodynamic stability) indicates that this missense variant is not expected to disrupt POLG protein function with a negative predictive value of 95%. In summary, the available evidence is currently insufficient to determine the role of this variant in disease. Therefore, it has been classified as a Variant of Uncertain Significance.

Wong Mito Lab, Molecular and Human Genetics, Baylor College of Medicine
Classification: Uncertain significance for Progressive sclerosing poliodystrophy. Last evaluated: 2018-10-01. Review status: criteria provided, single submitter. Criteria: ACMG Guidelines, 2015. Collection method: clinical testing. Allele origin: germline.
Comment: The NM_002693.2:c.2654C>T (NP_002684.1:p.Thr885Ile) [GRCH38: NC_000015.10:g.89321205G>A] variant in POLG gene is interpretated to be a Uncertain Significance based on ACMG guidelines (PMID: 25741868). This variant meets the following evidence codes reported in the ACMG-guideline. PM1:This variant is in mutational hot spot or a well-studied functional domain without benign variation. PM2:This variant is absent in key population databases. PP2:This is a missense variant in POLG with a low rate of benign and high rate of pathogenic missense variations. Based on the evidence criteria codes applied, the variant is suggested to be Uncertain Significance.

NM_002693.3(POLG):c.2654C>T (p.Thr885Ile)

Gene: POLG (DNA polymerase gamma, catalytic subunit; minus strand). Cytogenetic location: 15q26.1.
Variant type: single nucleotide variant.
Coding change: c.2654C>T on transcript NM_002693.3 (MANE Select); coding-DNA position 2654, C replaced by T.
Protein change: p.Thr885Ile; replaces threonine 885 with isoleucine.
Molecular consequence: missense variant.
Genome position (GRCh38, 1-based): chr15:89,321,205, G>A on the plus strand (C>T on the coding strand, the complement: POLG is on the minus strand). VCF-style: chr15-89321205-G-A. GRCh37 (hg19) VCF-style: chr15-89864436-G-A.
Other names: c.2654C>T, p.Thr885Ile (NM_001126131.2); short protein forms T885I.
Identifiers: ClinVar variation 619329 (VCV000619329.2), dbSNP rs1224799376, ClinGen allele CA10602236.
Genomic context (GRCh38, chr15:89,321,205, plus strand): 5'-GCGTCTCCAAGCACAGCTGCAATCCACAGCTCTTGGGAGTCCACATCAGCACCCACAAGG[G>A]TGTAGCCAGGTGGGGCCTGCACCATGGCTTTCAACTCACTGCCTACTCGGTCAGGCTGTG-3'
Protein context (NP_002684.1, residues 875-895): KAMVQAPPGY[Thr885Ile]LVGADVDSQE